The following is an entry in ClinVar:

ClinVar aggregate classification (germline): Uncertain significance (1 of 4 stars; one submission).

Conditions:
Hereditary cancer-predisposing syndrome. Also called: Neoplastic Syndromes, Hereditary; Tumor predisposition; Hereditary Cancer Syndrome; Hereditary neoplastic syndrome. Identifiers: Orphanet 140162, MedGen C0027672, MeSH D009386, MONDO:0015356.

Allele frequency attached by ClinVar (database versions not stated): gnomAD exomes below 0.00001; ExAC 0.00001.
gnomAD v4.1: 5 of 1,610,964 alleles (0.00031%); highest among the groups gnomAD compares: South Asian, 0.0022%; no homozygotes.

Submission:

Ambry Genetics
Classification: Uncertain significance for Hereditary cancer-predisposing syndrome. Last evaluated: 2022-01-15. Review status: criteria provided, single submitter. Criteria: Ambry Variant Classification Scheme 2023. Collection method: clinical testing. Allele origin: germline.
Comment: The p.D70G variant (also known as c.209A>G), located in coding exon 1 of the ALK gene, results from an A to G substitution at nucleotide position 209. The aspartic acid at codon 70 is replaced by glycine, an amino acid with similar properties. This amino acid position is conserved. In addition, the in silico prediction for this alteration is inconclusive. Since supporting evidence is limited at this time, the clinical significance of this alteration remains unclear.

NM_004304.5(ALK):c.209A>G (p.Asp70Gly)

Gene: ALK (ALK receptor tyrosine kinase; minus strand). Cytogenetic location: 2p23.1.
Variant type: single nucleotide variant.
Coding change: c.209A>G on transcript NM_004304.5 (MANE Select); coding-DNA position 209, A replaced by G.
Protein change: p.Asp70Gly; replaces aspartic acid 70 with glycine.
Molecular consequence: missense variant.
Genome position (GRCh38, 1-based): chr2:29,920,451, T>C on the plus strand (A>G on the coding strand, the complement: ALK is on the minus strand). VCF-style: chr2-29920451-T-C. GRCh37 (hg19) VCF-style: chr2-30143317-T-C.
Other names: short protein forms D70G.
Identifiers: ClinVar variation 1785852 (VCV001785852.2), dbSNP rs760987652, ClinGen allele CA1595024.